The following is an entry in ClinVar:

NM_001276270.2(MBD4):c.1231T>C (p.Tyr411His)

Gene: MBD4 (methyl-CpG binding domain 4, DNA glycosylase; minus strand). Cytogenetic location: 3q21.3.
Variant type: single nucleotide variant.
Coding change: c.1231T>C on transcript NM_001276270.2 (MANE Select); coding-DNA position 1231, T replaced by C.
Protein change: p.Tyr411His; replaces tyrosine 411 with histidine.
Molecular consequence: missense variant.
Genome position (GRCh38, 1-based): chr3:129,434,089, A>G on the plus strand (T>C on the coding strand, the complement: MBD4 is on the minus strand). VCF-style: chr3-129434089-A-G. GRCh37 (hg19) VCF-style: chr3-129152932-A-G.
Other names: c.1249T>C, p.Tyr417His (NM_001276271.2, NM_001276272.2, NM_003925.3); c.295T>C, p.Tyr99His (NM_001276273.2); short protein forms Y417H, Y411H, Y99H.
Identifiers: ClinVar variation 5024043 (VCV005024043.1).

ClinVar aggregate classification (germline): Uncertain significance (1 of 4 stars; one submission).

Conditions:
Inborn genetic diseases. Identifiers: MedGen C0950123, MeSH D030342.

Submission:

Ambry Genetics
Classification: Uncertain significance for Inborn genetic diseases. Last evaluated: 2026-08-29. Review status: criteria provided, single submitter. Criteria: Ambry Variant Classification Scheme 2023. Collection method: clinical testing. Allele origin: germline.
Comment: The p.Y411H variant (also known as c.1231T>C), located in coding exon 4 of the MBD4 gene, results from a T to C substitution at nucleotide position 1231. The tyrosine at codon 411 is replaced by histidine, an amino acid with similar properties. This amino acid position is conserved. In addition, this alteration is predicted to be deleterious by in silico analysis. Based on the available evidence, the clinical significance of this variant remains unclear.